The following is an entry in ClinVar:

NM_153252.5(BRWD3):c.3799G>A (p.Ala1267Thr)

Gene: BRWD3 (bromodomain and WD repeat domain containing 3; minus strand). Cytogenetic location: Xq21.1.
Variant type: single nucleotide variant.
Coding change: c.3799G>A on transcript NM_153252.5 (MANE Select); coding-DNA position 3799, G replaced by A.
Protein change: p.Ala1267Thr; replaces alanine 1267 with threonine.
Molecular consequence: missense variant.
Genome position (GRCh38, 1-based): chrX:80,689,776, C>T on the plus strand (G>A on the coding strand, the complement: BRWD3 is on the minus strand). VCF-style: chrX-80689776-C-T. GRCh37 (hg19) VCF-style: chrX-79945275-C-T.
Other names: short protein forms A1267T.
Identifiers: ClinVar variation 2574905 (VCV002574905.2), dbSNP rs1283120248, ClinGen allele CA413615106.

ClinVar aggregate classification (germline): Uncertain significance. Review status: criteria provided, multiple submitters, no conflicts (2 of 4 stars). 2 submissions from 2 submitters: Uncertain significance (2). Last evaluated 2025-09-23.

Allele frequency attached by ClinVar (database versions not stated): gnomAD exomes below 0.00001.
gnomAD v4.1: 1 of 1,198,096 alleles (0.000083%); highest among the groups gnomAD compares: Admixed American, 0.0022%; no homozygotes.

Submissions (2):

Labcorp Genetics (formerly Invitae), Labcorp
Classification: Uncertain significance. Last evaluated: 2025-09-23. Review status: criteria provided, single submitter. Criteria: Invitae Variant Classification Sherloc (09022015). Collection method: clinical testing. Allele origin: germline.
Comment: This sequence change replaces alanine, which is neutral and non-polar, with threonine, which is neutral and polar, at codon 1267 of the BRWD3 protein (p.Ala1267Thr). The frequency data for this variant in the population databases is considered unreliable, as metrics indicate poor data quality at this position in the gnomAD database. This variant has not been reported in the literature in individuals affected with BRWD3-related conditions. ClinVar contains an entry for this variant (Variation ID: 2574905). Invitae Evidence Modeling of protein sequence and biophysical properties (such as structural, functional, and spatial information, amino acid conservation, physicochemical variation, residue mobility, and thermodynamic stability) indicates that this missense variant is not expected to disrupt BRWD3 protein function with a negative predictive value of 80%. In summary, the available evidence is currently insufficient to determine the role of this variant in disease. Therefore, it has been classified as a Variant of Uncertain Significance.

GeneDx
Classification: Uncertain significance. Last evaluated: 2023-02-04. Review status: criteria provided, single submitter. Criteria: GeneDx Variant Classification Process June 2021. Collection method: clinical testing. Allele origin: germline. Affected: yes.
Comment: Not observed at significant frequency in large population cohorts (gnomAD); In silico analysis supports that this missense variant does not alter protein structure/function; Has not been previously published as pathogenic or benign to our knowledge